The following is an entry in ClinVar:

NM_054027.6(ANKH):c.-252C>T

Gene: ANKH (ANKH inorganic pyrophosphate transport regulator; minus strand). Cytogenetic location: 5p15.2.
Variant type: single nucleotide variant.
Coding change: c.-252C>T on transcript NM_054027.6 (MANE Select); 252 bases upstream of the start codon, C replaced by T.
Molecular consequence: 5 prime UTR variant.
Genome position (GRCh38, 1-based): chr5:14,871,699, G>A on the plus strand (C>T on the coding strand, the complement: ANKH is on the minus strand). VCF-style: chr5-14871699-G-A. GRCh37 (hg19) VCF-style: chr5-14871808-G-A.
Identifiers: ClinVar variation 907697 (VCV000907697.4), dbSNP rs530246274, ClinGen allele CA114769910.

ClinVar aggregate classification (germline): Benign. Review status: criteria provided, single submitter (1 of 4 stars). 2 submissions from 1 submitter: Benign (2). Last evaluated 2018-01-13.

Conditions:
Craniometaphyseal dysplasia, autosomal dominant (CMDD). Identifiers: Orphanet 1522, MedGen C1852502, MONDO:0007397, OMIM 123000.
Chondrocalcinosis 2. Also called: Familial calcium pyrophosphate deposition; CALCIUM GOUT; CALCIUM PYROPHOSPHATE ARTHROPATHY. Identifiers: Orphanet 1416, MedGen C0856830, MONDO:0007319, OMIM 118600.

Allele frequency attached by ClinVar (database versions not stated): 1000 Genomes Project 0.00160; TOPMed 0.00161; gnomAD 0.00168 and 0.00152; 1000 Genomes Project 30x 0.00125.

Submissions (2):

Illumina Laboratory Services, Illumina
Classification: Benign for Craniometaphyseal dysplasia, autosomal dominant. Last evaluated: 2018-01-13. Review status: criteria provided, single submitter. Criteria: ICSL Variant Classification Criteria 13 December 2019. Collection method: clinical testing. Allele origin: germline.
Comment: This variant was observed in the ICSL laboratory as part of a predisposition screen in an ostensibly healthy population. It had not been previously curated by ICSL or reported in the Human Gene Mutation Database (HGMD: prior to June 1st, 2018), and was therefore a candidate for classification through an automated scoring system. Utilizing variant allele frequency, disease prevalence and penetrance estimates, and inheritance mode, an automated score was calculated to assess if this variant is too frequent to cause the disease. Based on the score and internal cut-off values, a variant classified as benign is not then subjected to further curation. The score for this variant resulted in a classification of benign for this disease.

Illumina Laboratory Services, Illumina
Classification: Benign for Chondrocalcinosis 2. Last evaluated: 2018-01-13. Review status: criteria provided, single submitter. Criteria: ICSL Variant Classification Criteria 13 December 2019. Collection method: clinical testing. Allele origin: germline.
Comment: the same text as in the submission from Illumina Laboratory Services, Illumina above.